The following is an entry in ClinVar:

ClinVar aggregate classification (germline): Likely benign (0 of 4 stars; one submission).

Conditions:
SEMA3G-related disorder. Also called: SEMA3G-related condition.

gnomAD v4.1: 2 of 1,607,820 alleles (0.00012%); highest among the groups gnomAD compares: Non-Finnish European, 0.00017%; no homozygotes.

Submission:

PreventionGenetics, part of Exact Sciences
Classification: Likely benign for SEMA3G-related condition. Last evaluated: 2024-05-10. Review status: no assertion criteria provided. Collection method: clinical testing. Allele origin: germline.
Comment: This variant is classified as likely benign based on ACMG/AMP sequence variant interpretation guidelines (Richards et al. 2015 PMID: 25741868, with internal and published modifications).

NM_020163.3(SEMA3G):c.1739-3C>T

Gene: SEMA3G (semaphorin 3G; minus strand). Cytogenetic location: 3p21.1.
Variant type: single nucleotide variant.
Coding change: c.1739-3C>T on transcript NM_020163.3 (MANE Select); 3 bases into the intron before coding-DNA position 1739, C replaced by T.
Molecular consequence: intron variant.
Genome position (GRCh38, 1-based): chr3:52,437,669, G>A on the plus strand (C>T on the coding strand, the complement: SEMA3G is on the minus strand). VCF-style: chr3-52437669-G-A. GRCh37 (hg19) VCF-style: chr3-52471685-G-A.
Identifiers: ClinVar variation 3345376 (VCV003345376.1).